The following is an entry in ClinVar:

ClinVar aggregate classification (germline): Uncertain significance (1 of 4 stars; one submission).

Conditions:
Polyglucosan body myopathy type 1 (PGBM1). Also called: Polyglucosan body myopathy 1 with or without immunodeficiency; POLYGLUCOSAN BODY MYOPATHY WITHOUT IMMUNODEFICIENCY. Identifiers: Orphanet 329173, Orphanet 397937, MedGen C4014605, MONDO:0014389, OMIM 615895.

gnomAD v4.1: 7 of 1,613,358 alleles (0.00043%); highest among the groups gnomAD compares: Non-Finnish European, 0.00059%; no homozygotes.

Submission:

Labcorp Genetics (formerly Invitae), Labcorp
Classification: Uncertain significance for Polyglucosan body myopathy type 1. Last evaluated: 2025-03-11. Review status: criteria provided, single submitter. Criteria: Invitae Variant Classification Sherloc (09022015). Collection method: clinical testing. Allele origin: germline.
Comment: This sequence change replaces arginine, which is basic and polar, with histidine, which is basic and polar, at codon 494 of the RBCK1 protein (p.Arg494His). This variant is not present in population databases (gnomAD no frequency). This variant has not been reported in the literature in individuals affected with RBCK1-related conditions. Invitae Evidence Modeling of protein sequence and biophysical properties (such as structural, functional, and spatial information, amino acid conservation, physicochemical variation, residue mobility, and thermodynamic stability) indicates that this missense variant is not expected to disrupt RBCK1 protein function with a negative predictive value of 80%. In summary, the available evidence is currently insufficient to determine the role of this variant in disease. Therefore, it has been classified as a Variant of Uncertain Significance.

NM_031229.4(RBCK1):c.1481G>A (p.Arg494His)

Gene: RBCK1 (RANBP2-type and C3HC4-type zinc finger containing 1; plus strand). Cytogenetic location: 20p13.
Variant type: single nucleotide variant.
Coding change: c.1481G>A on transcript NM_031229.4 (MANE Select); coding-DNA position 1481, G replaced by A.
Protein change: p.Arg494His; replaces arginine 494 with histidine.
Molecular consequence: missense variant. On other transcripts: non-coding transcript variant (1).
Genome position (GRCh38, 1-based): chr20:430,378, G>A. VCF-style: chr20-430378-G-A. GRCh37 (hg19) VCF-style: chr20-411022-G-A.
Other names: c.971G>A, p.Arg324His (NM_001323956.2, NM_001323958.2); c.1532G>A, p.Arg511His (NM_001410770.1); c.1355G>A, p.Arg452His (NM_006462.6); short protein forms R324H, R494H, R511H, R452H.
Identifiers: ClinVar variation 4698222 (VCV004698222.1).